The following is an entry in ClinVar:

NM_001101426.4(CRPPA):c.426C>G (p.Ile142Met)

Gene: CRPPA (CDP-L-ribitol pyrophosphorylase A; minus strand). Cytogenetic location: 7p21.2.
Variant type: single nucleotide variant.
Coding change: c.426C>G on transcript NM_001101426.4 (MANE Select); coding-DNA position 426, C replaced by G.
Protein change: p.Ile142Met; replaces isoleucine 142 with methionine.
Molecular consequence: missense variant. On other transcripts: non-coding transcript variant (1).
Genome position (GRCh38, 1-based): chr7:16,406,169, G>C on the plus strand (C>G on the coding strand, the complement: CRPPA is on the minus strand). VCF-style: chr7-16406169-G-C. GRCh37 (hg19) VCF-style: chr7-16445794-G-C.
Other names: c.426C>G, p.Ile142Met (NM_001101417.4, NM_001368197.1); short protein forms I142M.
Identifiers: ClinVar variation 2040327 (VCV002040327.4), dbSNP rs781443643, ClinGen allele CA4169608.

ClinVar aggregate classification (germline): Uncertain significance (1 of 4 stars; one submission).

Conditions:
Muscular dystrophy-dystroglycanopathy (congenital with brain and eye anomalies), type A, 7. Also called: WALKER-WARBURG SYNDROME OR MUSCLE-EYE-BRAIN DISEASE, ISPD-RELATED; Congenital muscular dystrophy-dystroglycanopathy with brain and eye anomalies, type A7. Identifiers: Orphanet 899, MedGen C3553330, MONDO:0013835, OMIM 614643.
Autosomal recessive limb-girdle muscular dystrophy type 2U. Also called: MUSCULAR DYSTROPHY, LIMB-GIRDLE, TYPE 2U; Muscular dystrophy-dystroglycanopathy (limb-girdle), type c, 7. Identifiers: Orphanet 352479, MedGen C5190987, MONDO:0014474, OMIM 616052.

Allele frequency attached by ClinVar (database versions not stated): gnomAD exomes 0.00001; ExAC 0.00002; gnomAD 0.00002.
gnomAD v4.1: 13 of 1,613,836 alleles (0.00081%); highest among the groups gnomAD compares: East Asian, 0.029%; no homozygotes.

Submission:

Labcorp Genetics (formerly Invitae), Labcorp
Classification: Uncertain significance for Muscular dystrophy-dystroglycanopathy (congenital with brain and eye anomalies), type A, 7; Autosomal recessive limb-girdle muscular dystrophy type 2U. Last evaluated: 2022-05-04. Review status: criteria provided, single submitter. Criteria: Invitae Variant Classification Sherloc (09022015). Collection method: clinical testing. Allele origin: germline.
Comment: In summary, the available evidence is currently insufficient to determine the role of this variant in disease. Therefore, it has been classified as a Variant of Uncertain Significance. Algorithms developed to predict the effect of missense changes on protein structure and function (SIFT, PolyPhen-2, Align-GVGD) all suggest that this variant is likely to be tolerated. This sequence change replaces isoleucine, which is neutral and non-polar, with methionine, which is neutral and non-polar, at codon 142 of the ISPD protein (p.Ile142Met). This variant is present in population databases (rs781443643, gnomAD 0.05%). This variant has not been reported in the literature in individuals affected with ISPD-related conditions.